The following is an entry in ClinVar:

NM_198834.3(ACACA):c.6682G>A (p.Asp2228Asn)

Gene: ACACA (acetyl-CoA carboxylase alpha; minus strand). Cytogenetic location: 17q12.
Variant type: single nucleotide variant.
Coding change: c.6682G>A on transcript NM_198834.3 (MANE Select); coding-DNA position 6682, G replaced by A.
Protein change: p.Asp2228Asn; replaces aspartic acid 2228 with asparagine.
Molecular consequence: missense variant.
Genome position (GRCh38, 1-based): chr17:37,097,868, C>T on the plus strand (G>A on the coding strand, the complement: ACACA is on the minus strand). VCF-style: chr17-37097868-C-T. GRCh37 (hg19) VCF-style: chr17-35454803-C-T.
Other names: c.6571G>A, p.Asp2191Asn (NM_198836.3, NM_198839.3); c.6397G>A, p.Asp2133Asn (NM_198837.2); c.6337G>A, p.Asp2113Asn (NM_198838.2); short protein forms D2113N, D2228N, D2133N, D2191N.
Identifiers: ClinVar variation 2018408 (VCV002018408.5), dbSNP rs772441784, ClinGen allele CA8514582.
Genomic context (GRCh38, chr17:37,097,868, plus strand): 5'-AAGTGGCAACCATTGTACTTACGCTAATAACACCCTTCTCCTGCATCCGGCCTGGTGTGT[C>T]GTGCAAGTCAGCAAACTGCACGGCTACCTGATGGTAAATGGGAATTAGGAATTCCTCCCG-3'
Protein context (NP_942131.1, residues 2218-2238): QVAVQFADLH[Asp2228Asn]TPGRMQEKGV

ClinVar aggregate classification (germline): Uncertain significance. Review status: criteria provided, multiple submitters, no conflicts (2 of 4 stars). 2 submissions from 2 submitters: Uncertain significance (2). Last evaluated 2023-10-13.

Allele frequency attached by ClinVar (database versions not stated): ExAC 0.00001; gnomAD exomes 0.00001.
gnomAD v4.1: 3 of 1,614,150 alleles (0.00019%); highest among the groups gnomAD compares: Non-Finnish European, 0.00025%; no homozygotes.

Submissions (2):

Labcorp Genetics (formerly Invitae), Labcorp
Classification: Uncertain significance. Last evaluated: 2023-10-13. Review status: criteria provided, single submitter. Criteria: Invitae Variant Classification Sherloc (09022015). Collection method: clinical testing. Allele origin: germline.
Comment: This sequence change replaces aspartic acid, which is acidic and polar, with asparagine, which is neutral and polar, at codon 2191 of the ACACA protein (p.Asp2191Asn). This variant is present in population databases (rs772441784, gnomAD 0.0009%). This variant has not been reported in the literature in individuals affected with ACACA-related conditions. ClinVar contains an entry for this variant (Variation ID: 2018408). An algorithm developed to predict the effect of missense changes on protein structure and function (PolyPhen-2) suggests that this variant is likely to be disruptive. In summary, the available evidence is currently insufficient to determine the role of this variant in disease. Therefore, it has been classified as a Variant of Uncertain Significance.

Ambry Genetics
Classification: Uncertain significance. Last evaluated: 2022-09-06. Review status: criteria provided, single submitter. Criteria: Ambry Variant Classification Scheme 2023. Collection method: clinical testing. Allele origin: germline.